The following is an entry in ClinVar:

NM_000531.6(OTC):c.882del (p.Ala295fs)

Gene: OTC (ornithine transcarbamylase; plus strand). Cytogenetic location: Xp11.4.
Variant type: Deletion.
Coding change: c.882del on transcript NM_000531.6 (MANE Select); coding-DNA position 882, one base deleted (T; older notation c.882delT).
Protein change: p.Ala295fs; shifts the reading frame from alanine 295.
Molecular consequence: frameshift variant.
Genome position (GRCh38, 1-based): chrX:38,411,876, T deleted. VCF-style (leftmost placement, unchanged base first): chrX-38411875-CT-C. GRCh37 (hg19) VCF-style: chrX-38271128-CT-C.
Other names: short protein forms A295fs.
Identifiers: ClinVar variation 97346 (VCV000097346.3), dbSNP rs72558458, ClinGen allele CA224818.

ClinVar aggregate classification (germline): Uncertain significance. Review status: criteria provided, single submitter (1 of 4 stars). 2 submissions from 2 submitters: Uncertain significance (1). 1 of the submissions does not count toward it. Last evaluated 2023-05-20.

Conditions:
Ornithine carbamoyltransferase deficiency (OTCD). Also called: ORNITHINE TRANSCARBAMYLASE DEFICIENCY, HYPERAMMONEMIA DUE TO; ORNITHINE TRANSCARBAMYLASE DEFICIENCY; OTC DEFICIENCY; Ornithine Carbamoyltransferase Deficiency Disease. Identifiers: Orphanet 664, MedGen C0268542, MONDO:0010703, OMIM 311250.

Submissions (2):

Neuberg Centre For Genomic Medicine, NCGM
Classification: Uncertain significance for Ornithine carbamoyltransferase deficiency. Last evaluated: 2023-05-20. Review status: criteria provided, single submitter. Criteria: ACMG Guidelines, 2015. Collection method: clinical testing. Allele origin: germline. Inheritance: X-linked inheritance. Affected: yes.
Comment: The missense variant c.882del(p.Ala295ProfsTer28) in OTC gene has not been reported previously as a pathogenic variant nor as a benign variant, to our knowledge. The observed variant is absent in gnomAD exomes database. This variant has been reported to the ClinVar database as Pathogenic but no details are available for independent assessment. This variant causes a frameshift starting with codon Alanine 295, changes this amino acid to Proline residue, and creates a premature Stop codon at position 28 of the new reading frame, denoted p.Ala295ProfsTer28. Loss of function variants have been previously reported to be disease causing. However since this variant is present in the penultimate exon, functional studies will be required to prove protein truncation. Hence the variant is classified as Uncertain Significance.

GenMed Metabolism Lab
Classification: Pathogenic. Review status: no assertion criteria provided. Collection method: not provided. Allele origin: unknown. Not counted in ClinVar's aggregate classification.
Comment: Frameshift, Neonatal
ClinVar note: Converted during submission from pathogenic to Pathogenic.